The following is an entry in ClinVar:

ClinVar aggregate classification (germline): Uncertain significance. Review status: criteria provided, multiple submitters, no conflicts (2 of 4 stars). 2 submissions from 2 submitters: Uncertain significance (2). Last evaluated 2023-06-29.

Conditions:
Ataxia-telangiectasia syndrome (AT). Also called: LOUIS-BAR SYNDROME; Cerebello-oculocutaneous telangiectasia; Immunodeficiency with ataxia telangiectasia; Ataxia-telangiectasia, complementation group D; AT, COMPLEMENTATION GROUP C; ATAXIA-TELANGIECTASIA, COMPLEMENTATION GROUP A. Identifiers: Orphanet 100, MedGen C0004135, MONDO:0008840, OMIM 208900.
Hereditary cancer-predisposing syndrome. Also called: Neoplastic Syndromes, Hereditary; Tumor predisposition; Hereditary Cancer Syndrome; Hereditary neoplastic syndrome. Identifiers: Orphanet 140162, MedGen C0027672, MeSH D009386, MONDO:0015356.

Submissions (2):

Labcorp Genetics (formerly Invitae), Labcorp
Classification: Uncertain significance for Ataxia-telangiectasia syndrome. Last evaluated: 2023-06-29. Review status: criteria provided, single submitter. Criteria: Invitae Variant Classification Sherloc (09022015). Collection method: clinical testing. Allele origin: germline.
Comment: This sequence change replaces histidine, which is basic and polar, with tyrosine, which is neutral and polar, at codon 1264 of the ATM protein (p.His1264Tyr). This variant is not present in population databases (gnomAD no frequency). This variant has not been reported in the literature in individuals affected with ATM-related conditions. ClinVar contains an entry for this variant (Variation ID: 1734949). Algorithms developed to predict the effect of missense changes on protein structure and function output the following: SIFT: "Not Available"; PolyPhen-2: "Benign"; Align-GVGD: "Not Available". The tyrosine amino acid residue is found in multiple mammalian species, which suggests that this missense change does not adversely affect protein function. In summary, the available evidence is currently insufficient to determine the role of this variant in disease. Therefore, it has been classified as a Variant of Uncertain Significance.

Ambry Genetics
Classification: Uncertain significance for Hereditary cancer-predisposing syndrome. Last evaluated: 2021-12-20. Review status: criteria provided, single submitter. Criteria: Ambry Variant Classification Scheme 2023. Collection method: clinical testing. Allele origin: germline.
Comment: The p.H1264Y variant (also known as c.3790C>T), located in coding exon 25 of the ATM gene, results from a C to T substitution at nucleotide position 3790. The histidine at codon 1264 is replaced by tyrosine, an amino acid with similar properties. This amino acid position is not well conserved in available vertebrate species. In addition, this alteration is predicted to be tolerated by in silico analysis. Since supporting evidence is limited at this time, the clinical significance of this alteration remains unclear.

NM_000051.4(ATM):c.3790C>T (p.His1264Tyr)

Gene: ATM (ATM serine/threonine kinase; plus strand). Cytogenetic location: 11q22.3.
Variant type: single nucleotide variant.
Coding change: c.3790C>T on transcript NM_000051.4 (MANE Select); coding-DNA position 3790, C replaced by T.
Protein change: p.His1264Tyr; replaces histidine 1264 with tyrosine.
Molecular consequence: missense variant.
Genome position (GRCh38, 1-based): chr11:108,284,270, C>T. VCF-style: chr11-108284270-C-T. GRCh37 (hg19) VCF-style: chr11-108154997-C-T.
Other names: c.3790C>T, p.His1264Tyr (NM_001351834.2); short protein forms H1264Y.
Identifiers: ClinVar variation 1734949 (VCV001734949.5), dbSNP rs2135705273, ClinGen allele CA382524604.